The following is an entry in ClinVar:

ClinVar aggregate classification (germline): Uncertain significance (1 of 4 stars; one submission).

Conditions:
Hereditary pancreatitis (PCTT). Also called: Hereditary chronic pancreatitis; PRSS1-Related Hereditary Pancreatitis. Identifiers: Orphanet 676, MedGen C0238339, MONDO:0008185, OMIM 167800.

Submission:

Ambry Genetics
Classification: Uncertain significance for Hereditary pancreatitis. Last evaluated: 2025-09-28. Review status: criteria provided, single submitter. Criteria: Ambry Variant Classification Scheme 2023. Collection method: clinical testing. Allele origin: germline.
Comment: The p.I24N variant (also known as c.71T>A), located in coding exon 2 of the PRSS1 gene, results from a T to A substitution at nucleotide position 71. The isoleucine at codon 24 is replaced by asparagine, an amino acid with dissimilar properties. This amino acid position is conserved. In addition, this alteration is predicted to be deleterious by in silico analysis. Since supporting evidence is limited at this time, the clinical significance of this alteration remains unclear.

NM_002769.5(PRSS1):c.71T>A (p.Ile24Asn)

Genes: PRSS1 (serine protease 1; plus strand), TRB (T cell receptor beta locus; plus strand). Cytogenetic location: 7q34.
Variant type: single nucleotide variant.
Coding change: c.71T>A on transcript NM_002769.5 (MANE Select); coding-DNA position 71, T replaced by A.
Protein change: p.Ile24Asn; replaces isoleucine 24 with asparagine.
Molecular consequence: missense variant. On other transcripts: non-coding transcript variant (2).
Genome position (GRCh38, 1-based): chr7:142,750,585, T>A. VCF-style: chr7-142750585-T-A. GRCh37 (hg19) VCF-style: chr7-142458436-T-A.
Other names: short protein forms I24N.
Identifiers: ClinVar variation 1757660 (VCV001757660.3), dbSNP rs2485732425, ClinGen allele CA369607083.
Genomic context (GRCh38, chr7:142,750,585, plus strand): 5'-TTGCCTTCTCCCTTCCCATCTCCACTCCAGTTGCTGCCCCCTTTGATGATGATGACAAGA[T>A]CGTTGGGGGCTACAACTGTGAGGAGAATTCTGTCCCCTACCAGGTGTCCCTGAATTCTGG-3'
Protein context (NP_002760.1, residues 14-34): LAAPFDDDDK[Ile24Asn]VGGYNCEENS